The following is an entry in ClinVar:

ClinVar aggregate classification (germline): Benign/Likely benign. Review status: criteria provided, multiple submitters, no conflicts (2 of 4 stars). 5 submissions from 5 submitters: Benign (1); Likely benign (4). Last evaluated 2024-06-24.

Conditions:
Hereditary cancer-predisposing syndrome. Also called: Tumor predisposition; Hereditary neoplastic syndrome; Neoplastic Syndromes, Hereditary; Hereditary Cancer Syndrome. Identifiers: Orphanet 140162, MedGen C0027672, MeSH D009386, MONDO:0015356.
Familial cancer of breast. Also called: Hereditary breast cancer; BREAST CANCER, FAMILIAL; hereditary breast carcinoma. Identifiers: Orphanet 227535, MedGen C0346153, MONDO:0016419, OMIM 114480. Disease mechanism: loss of function.
Ataxia-telangiectasia syndrome (AT). Also called: Ataxia-telangiectasia, complementation group D; AT, COMPLEMENTATION GROUP C; ATAXIA-TELANGIECTASIA, COMPLEMENTATION GROUP A; ATAXIA-TELANGIECTASIA, FRESNO VARIANT; Ataxia-telangiectasia; LOUIS-BAR SYNDROME. Identifiers: Orphanet 100, MedGen C0004135, MONDO:0008840, OMIM 208900.

Allele frequency attached by ClinVar (database versions not stated): gnomAD exomes below 0.00001 and 0.00001.
gnomAD v4.1: 3 of 1,614,162 alleles (0.00019%); highest among the groups gnomAD compares: Admixed American, 0.005%; no homozygotes.

Submissions (5):

Myriad Genetics, Inc.
Classification: Benign for Familial cancer of breast. Last evaluated: 2024-06-24. Review status: criteria provided, single submitter. Criteria: Myriad Autosomal Dominant, Autosomal Recessive and X-Linked Classification Criteria (2023). Collection method: clinical testing. Allele origin: unknown.
Comment: This variant is considered benign. This variant is a silent/synonymous amino acid change and it is not expected to impact splicing.

Labcorp Genetics (formerly Invitae), Labcorp
Classification: Likely benign for Ataxia-telangiectasia syndrome. Last evaluated: 2024-04-13. Review status: criteria provided, single submitter. Criteria: Invitae Variant Classification Sherloc (09022015). Collection method: clinical testing. Allele origin: germline.

Blueprint Genetics
Classification: Likely benign. Last evaluated: 2022-01-11. Review status: criteria provided, single submitter. Criteria: ACMG Guidelines, 2015. Collection method: clinical testing. Allele origin: germline.

Ambry Genetics
Classification: Likely benign for Hereditary cancer-predisposing syndrome. Last evaluated: 2018-11-27. Review status: criteria provided, single submitter. Criteria: Ambry Variant Classification Scheme 2023. Collection method: clinical testing. Allele origin: germline.

Color Diagnostics, LLC DBA Color Health
Classification: Likely benign for Hereditary cancer-predisposing syndrome. Last evaluated: 2018-03-28. Review status: criteria provided, single submitter. Criteria: ACMG Guidelines, 2015. Collection method: clinical testing. Allele origin: germline.

NM_000051.4(ATM):c.9117C>T (p.Ala3039=)

Genes: ATM (ATM serine/threonine kinase; plus strand), C11orf65 (chromosome 11 open reading frame 65; minus strand). Cytogenetic location: 11q22.3.
Variant type: single nucleotide variant.
Coding change: c.9117C>T on transcript NM_000051.4 (MANE Select); coding-DNA position 9117, C replaced by T.
Protein change: p.Ala3039=; no amino-acid change (alanine 3039 retained).
Molecular consequence: synonymous variant. On other transcripts: intron variant (2).
Genome position (GRCh38, 1-based): chr11:108,365,454, C>T. VCF-style: chr11-108365454-C-T. GRCh37 (hg19) VCF-style: chr11-108236181-C-T.
Other names: c.694+20466G>A (NM_001351110.2); c.9117C>T, p.Ala3039= (NM_001351834.2); c.640+20466G>A (NM_001330368.2).
Identifiers: ClinVar variation 628103 (VCV000628103.17), dbSNP rs1289926943, ClinGen allele CA476745268.